The following is an entry in ClinVar:

ClinVar aggregate classification (germline): Uncertain significance (1 of 4 stars; one submission).

Conditions:
Familial hemophagocytic lymphohistiocytosis 5. Also called: STXBP2-Related Familial Hemophagocytic Lymphohistiocytosis (STXBP2-fHLH). Identifiers: Orphanet 540, MedGen C2751293, MONDO:0013135, OMIM 613101.

Allele frequency attached by ClinVar (database versions not stated): TOPMed 0.00002.

Submission:

Labcorp Genetics (formerly Invitae), Labcorp
Classification: Uncertain significance for Familial hemophagocytic lymphohistiocytosis 5. Last evaluated: 2025-02-17. Review status: criteria provided, single submitter. Criteria: Invitae Variant Classification Sherloc (09022015). Collection method: clinical testing. Allele origin: germline.
Comment: This sequence change replaces aspartic acid, which is acidic and polar, with asparagine, which is neutral and polar, at codon 584 of the STXBP2 protein (p.Asp584Asn). The frequency data for this variant in the population databases is considered unreliable, as metrics indicate poor data quality at this position in the gnomAD database. This variant has not been reported in the literature in individuals affected with STXBP2-related conditions. ClinVar contains an entry for this variant (Variation ID: 2186997). Invitae Evidence Modeling of protein sequence and biophysical properties (such as structural, functional, and spatial information, amino acid conservation, physicochemical variation, residue mobility, and thermodynamic stability) indicates that this missense variant is not expected to disrupt STXBP2 protein function with a negative predictive value of 95%. In summary, the available evidence is currently insufficient to determine the role of this variant in disease. Therefore, it has been classified as a Variant of Uncertain Significance.

NM_006949.4(STXBP2):c.1750G>A (p.Asp584Asn)

Gene: STXBP2 (syntaxin binding protein 2; plus strand). Cytogenetic location: 19p13.2.
Variant type: single nucleotide variant.
Coding change: c.1750G>A on transcript NM_006949.4 (MANE Select); coding-DNA position 1750, G replaced by A.
Protein change: p.Asp584Asn; replaces aspartic acid 584 with asparagine.
Molecular consequence: missense variant. On other transcripts: non-coding transcript variant (1).
Genome position (GRCh38, 1-based): chr19:7,647,778, G>A. VCF-style: chr19-7647778-G-A. GRCh37 (hg19) VCF-style: chr19-7712664-G-A.
Other names: c.1741G>A, p.Asp581Asn (NM_001127396.3); c.1783G>A, p.Asp595Asn (NM_001272034.2); c.1654G>A, p.Asp552Asn (NM_001414484.1); short protein forms D581N, D595N, D552N, D584N.
Identifiers: ClinVar variation 2186997 (VCV002186997.2), dbSNP rs756679671, ClinGen allele CA9144329.